The following is an entry in ClinVar:

NM_000548.5(TSC2):c.1096_1116del (p.Glu366_Leu372del)

Gene: TSC2 (TSC complex subunit 2; plus strand). Cytogenetic location: 16p13.3.
Variant type: Deletion.
Coding change: c.1096_1116del on transcript NM_000548.5 (MANE Select); coding-DNA positions 1096 to 1116, 21 bases deleted (GAACGGCTCCTTCAGCAGCTC).
Protein change: p.Glu366_Leu372del.
Molecular consequence: inframe deletion.
Genome position (GRCh38, 1-based): chr16:2,060,790-2,060,810, GAACGGCTCCTTCAGCAGCTC deleted; deleting any 21 consecutive bases within chr16:2,060,788-2,060,810 gives the same sequence; the c. name uses the placement nearest the transcript's 3' end. VCF-style (leftmost placement, unchanged base first): chr16-2060787-ATCGAACGGCTCCTTCAGCAGC-A. GRCh37 (hg19) VCF-style: chr16-2110788-ATCGAACGGCTCCTTCAGCAGC-A.
Other names: c.1096_1116del, p.Glu366_Leu372del (NM_001077183.3, NM_001114382.3, NM_001363528.2 and 3 more transcripts); c.985_1005del, p.Glu329_Leu335del (NM_001318827.2); c.949_969del, p.Glu317_Leu323del (NM_001318829.2); c.496_516del, p.Glu166_Leu172del (NM_001318831.2); c.1129_1149del, p.Glu377_Leu383del (NM_001318832.2).
Identifiers: ClinVar variation 426370 (VCV000426370.2), dbSNP rs1085307591, ClinGen allele CA645294081.

ClinVar aggregate classification (germline): Likely pathogenic (1 of 4 stars; one submission).

Submission:

GeneDx
Classification: Likely pathogenic. Last evaluated: 2017-04-19. Review status: criteria provided, single submitter. Criteria: GeneDx Variant Classification (06012015). Collection method: clinical testing. Allele origin: germline. Affected: yes.
Comment: A variant that is likely pathogenic has been identified in the TSC2 gene. The c.1096_1116del21 variant has been reported previously in association with tuberous sclerosis complex (TSC) (TSC2 LOVD). The c.1096_1116del21 variant is not observed in large population cohorts (Lek et al., 2016; 1000 Genomes Consortium et al., 2015; Exome Variant Server). The c.1096_1116del21variant results in an in-frame deletion of seven amino acids, denoted p.Glu366_Leu372del. In-frame deletions and duplications have been reported in the Human Gene Mutation Database in association with TSC (Stenson et al., 2014). However, the c.1096_1116del21 variant is not predicted to cause loss of normal protein function either through protein truncation or nonsense-mediated mRNA decay. Therefore, this variant is likely pathogenic; however, the possibility that it is benign cannot be excluded.